The following is an entry in ClinVar:

NM_002838.5(PTPRC):c.583+1G>A

Gene: PTPRC (protein tyrosine phosphatase receptor type C; plus strand). Cytogenetic location: 1q32.1.
Variant type: single nucleotide variant.
Coding change: c.583+1G>A on transcript NM_002838.5 (MANE Select); the canonical splice donor site of the intron after coding-DNA position 583, G replaced by A.
Molecular consequence: splice donor variant. On other transcripts: intron variant (1).
Genome position (GRCh38, 1-based): chr1:198,702,531, G>A. VCF-style: chr1-198702531-G-A. GRCh37 (hg19) VCF-style: chr1-198671660-G-A.
Other names: c.101-767G>A (NM_080921.4).
Identifiers: ClinVar variation 636414 (VCV000636414.5), dbSNP rs137869655, ClinGen allele CA36182883.

ClinVar aggregate classification (germline): Likely pathogenic. Review status: criteria provided, multiple submitters, no conflicts (2 of 4 stars). 2 submissions from 2 submitters: Likely pathogenic (2). Last evaluated 2023-09-08.

Conditions:
Immunodeficiency 104. Also called: Severe Combined Immune Deficiency, Autosomal Recessive, TCell -Negative, B Cell-Positive, NK Cell-Positive, IL7R-Related; IMMUNODEFICIENCY 104, SEVERE COMBINED; Severe combined immunodeficiency, autosomal recessive, T cell-negative, B cell-positive, NK cell-positive; SCID, AUTOSOMAL RECESSIVE, T CELL-NEGATIVE, B CELL-POSITIVE, NK CELL-POSITIVE. Identifiers: MedGen C5676890, MONDO:0012163, OMIM 608971.
PTPRC-related disorder. Also called: PTPRC-related condition.

Allele frequency attached by ClinVar (database versions not stated): gnomAD 0.00002; ESP Exome Variant Server 0.00008.
gnomAD v4.1: 20 of 1,613,992 alleles (0.0012%); highest among the groups gnomAD compares: Non-Finnish European, 0.0017%; no homozygotes.

Submissions (2):

Labcorp Genetics (formerly Invitae), Labcorp
Classification: Likely pathogenic for Immunodeficiency 104. Last evaluated: 2023-09-08. Review status: criteria provided, single submitter. Criteria: Invitae Variant Classification Sherloc (09022015). Collection method: clinical testing. Allele origin: germline.
Comment: In summary, the currently available evidence indicates that the variant is pathogenic, but additional data are needed to prove that conclusively. Therefore, this variant has been classified as Likely Pathogenic. Algorithms developed to predict the effect of sequence changes on RNA splicing suggest that this variant may disrupt the consensus splice site. ClinVar contains an entry for this variant (Variation ID: 636414). This variant has not been reported in the literature in individuals affected with PTPRC-related conditions. This variant is present in population databases (rs137869655, gnomAD 0.002%). This sequence change affects a donor splice site in intron 6 of the PTPRC gene. It is expected to disrupt RNA splicing. Variants that disrupt the donor or acceptor splice site typically lead to a loss of protein function (PMID: 16199547), and loss-of-function variants in PTPRC are known to be pathogenic (PMID: 10700239).

Blueprint Genetics
Classification: Likely pathogenic for PTPRC-related disorders. Last evaluated: 2017-06-07. Review status: criteria provided, single submitter. Criteria: ACMG Guidelines, 2015. Collection method: clinical testing. Allele origin: germline. Affected: yes. Observed: 1 variant allele.

Literature cited by the submitters: PubMed 16199547 (cited by Labcorp Genetics (formerly Invitae), Labcorp); PubMed 10700239 (cited by Labcorp Genetics (formerly Invitae), Labcorp).